The following is an entry in ClinVar:

NM_032119.4(ADGRV1):c.7405T>C (p.Trp2469Arg)

Gene: ADGRV1 (adhesion G protein-coupled receptor V1; plus strand). Cytogenetic location: 5q14.3.
Variant type: single nucleotide variant.
Coding change: c.7405T>C on transcript NM_032119.4 (MANE Select); coding-DNA position 7405, T replaced by C.
Protein change: p.Trp2469Arg; replaces tryptophan 2469 with arginine.
Molecular consequence: missense variant. On other transcripts: non-coding transcript variant (1).
Genome position (GRCh38, 1-based): chr5:90,694,161, T>C. VCF-style: chr5-90694161-T-C. GRCh37 (hg19) VCF-style: chr5-89989978-T-C.
Other names: short protein forms W2469R.
Identifiers: ClinVar variation 2101625 (VCV002101625.1), dbSNP rs1746862517, ClinGen allele CA360377098.

ClinVar aggregate classification (germline): Uncertain significance (1 of 4 stars; one submission).

Submission:

Labcorp Genetics (formerly Invitae), Labcorp
Classification: Uncertain significance. Last evaluated: 2022-02-22. Review status: criteria provided, single submitter. Criteria: Invitae Variant Classification Sherloc (09022015). Collection method: clinical testing. Allele origin: germline.
Comment: This sequence change replaces tryptophan, which is neutral and slightly polar, with arginine, which is basic and polar, at codon 2469 of the ADGRV1 protein (p.Trp2469Arg). This variant is not present in population databases (gnomAD no frequency). This variant has not been reported in the literature in individuals affected with ADGRV1-related conditions. Algorithms developed to predict the effect of missense changes on protein structure and function are either unavailable or do not agree on the potential impact of this missense change (SIFT: "Tolerated"; PolyPhen-2: "Possibly Damaging"; Align-GVGD: "Class C0"). In summary, the available evidence is currently insufficient to determine the role of this variant in disease. Therefore, it has been classified as a Variant of Uncertain Significance.